The following is an entry in ClinVar:

NM_199420.4(POLQ):c.4738G>A (p.Glu1580Lys)

Gene: POLQ (DNA polymerase theta; minus strand). Cytogenetic location: 3q13.33.
Variant type: single nucleotide variant.
Coding change: c.4738G>A on transcript NM_199420.4 (MANE Select); coding-DNA position 4738, G replaced by A.
Protein change: p.Glu1580Lys; replaces glutamic acid 1580 with lysine.
Molecular consequence: missense variant.
Genome position (GRCh38, 1-based): chr3:121,488,193, C>T on the plus strand (G>A on the coding strand, the complement: POLQ is on the minus strand). VCF-style: chr3-121488193-C-T. GRCh37 (hg19) VCF-style: chr3-121207040-C-T.
Other names: short protein forms E1580K.
Identifiers: ClinVar variation 1742753 (VCV001742753.3), dbSNP rs2546785588, ClinGen allele CA354094005.

ClinVar aggregate classification (germline): Uncertain significance (1 of 4 stars; one submission).

Submission:

Ambry Genetics
Classification: Uncertain significance. Last evaluated: 2024-04-27. Review status: criteria provided, single submitter. Criteria: Ambry Variant Classification Scheme 2023. Collection method: clinical testing. Allele origin: germline.
Comment: The p.E1580K variant (also known as c.4738G>A), located in coding exon 16 of the POLQ gene, results from a G to A substitution at nucleotide position 4738. The glutamic acid at codon 1580 is replaced by lysine, an amino acid with similar properties. This amino acid position is conserved. In addition, this alteration is predicted to be tolerated by in silico analysis. Since supporting evidence is limited at this time, the clinical significance of this alteration remains unclear.